The following is an entry in ClinVar:

NM_002317.7(LOX):c.155G>A (p.Gly52Glu)

Genes: LOX (lysyl oxidase; minus strand), SRFBP1 (serum response factor binding protein 1; plus strand). Cytogenetic location: 5q23.1.
Variant type: single nucleotide variant.
Coding change: c.155G>A on transcript NM_002317.7 (MANE Select); coding-DNA position 155, G replaced by A.
Protein change: p.Gly52Glu; replaces glycine 52 with glutamic acid.
Molecular consequence: missense variant.
Genome position (GRCh38, 1-based): chr5:122,077,831, C>T on the plus strand (G>A on the coding strand, the complement: LOX is on the minus strand). VCF-style: chr5-122077831-C-T. GRCh37 (hg19) VCF-style: chr5-121413526-C-T.
Other names: short protein forms G52E.
Identifiers: ClinVar variation 3538998 (VCV003538998.1).

ClinVar aggregate classification (germline): Uncertain significance (1 of 4 stars; one submission).

Conditions:
Cardiovascular phenotype. Identifiers: MedGen CN230736.

gnomAD v4.1: 4 of 1,551,748 alleles (0.00026%); highest among the groups gnomAD compares: African/African-American, 0.0041%; no homozygotes.

Submission:

Ambry Genetics
Classification: Uncertain significance for Cardiovascular phenotype. Last evaluated: 2024-09-25. Review status: criteria provided, single submitter. Criteria: Ambry Variant Classification Scheme 2023. Collection method: clinical testing. Allele origin: germline.
Comment: The p.G52E variant (also known as c.155G>A), located in coding exon 1 of the LOX gene, results from a G to A substitution at nucleotide position 155. The glycine at codon 52 is replaced by glutamic acid, an amino acid with similar properties. This amino acid position is conserved. In addition, the in silico prediction for this alteration is inconclusive. Based on the available evidence, the clinical significance of this variant remains unclear.